The following is an entry in ClinVar:

NM_000285.4(PEPD):c.550C>T (p.Arg184Ter)

Gene: PEPD (peptidase D; minus strand). Cytogenetic location: 19q13.11.
Variant type: single nucleotide variant.
Coding change: c.550C>T on transcript NM_000285.4 (MANE Select); coding-DNA position 550, C replaced by T.
Protein change: p.Arg184Ter; replaces arginine 184 with a stop codon.
Molecular consequence: nonsense. On other transcripts: intron variant (1).
Genome position (GRCh38, 1-based): chr19:33,464,061, G>A on the plus strand (C>T on the coding strand, the complement: PEPD is on the minus strand). VCF-style: chr19-33464061-G-A. GRCh37 (hg19) VCF-style: chr19-33954967-G-A.
Other names: c.358C>T, p.Arg120Ter (NM_001166057.2); c.548+13985C>T (NM_001166056.2); c.550C>T (NM_000285.3); short protein forms R120*, R184*.
Identifiers: ClinVar variation 1440927 (VCV001440927.10), dbSNP rs375391662, ClinGen allele CA9364236.

ClinVar aggregate classification (germline): Pathogenic. Review status: criteria provided, multiple submitters, no conflicts (2 of 4 stars). 5 submissions from 5 submitters: Pathogenic (5). Last evaluated 2025-10-21.

Conditions:
Prolidase deficiency. Identifiers: Orphanet 742, MedGen C0268532, MONDO:0008221, OMIM 170100.
PEPD-related disorder. Also called: PEPD-related condition.

Allele frequency attached by ClinVar (database versions not stated): gnomAD exomes 0.00002 and 0.00006; TOPMed 0.00003; ExAC 0.00004; gnomAD 0.00004; ESP Exome Variant Server 0.00016.
gnomAD v4.1: 93 of 1,610,522 alleles (0.0058%); highest among the groups gnomAD compares: Middle Eastern, 0.016%; no homozygotes.

Submissions (5):

Labcorp Genetics (formerly Invitae), Labcorp
Classification: Pathogenic. Last evaluated: 2025-10-21. Review status: criteria provided, single submitter. Criteria: Invitae Variant Classification Sherloc (09022015). Collection method: clinical testing. Allele origin: germline.
Comment: This sequence change creates a premature translational stop signal (p.Arg184*) in the PEPD gene. It is expected to result in an absent or disrupted protein product. Loss-of-function variants in PEPD are known to be pathogenic (PMID: 8198124, 10721675, 12384772, 17142620). This variant is present in population databases (rs375391662, gnomAD 0.005%). This premature translational stop signal has been observed in individual(s) with prolidase deficiency (PMID: 10721675). ClinVar contains an entry for this variant (Variation ID: 1440927). For these reasons, this variant has been classified as Pathogenic.

Blueprint Genetics
Classification: Pathogenic for PEPD-related disorders. Last evaluated: 2024-06-12. Review status: criteria provided, single submitter. Criteria: ACMG Guidelines, 2015. Collection method: clinical testing. Allele origin: germline. Affected: yes. Observed: 5 variant alleles.

Revvity Omics, Revvity
Classification: Pathogenic for Prolidase deficiency. Last evaluated: 2023-12-27. Review status: criteria provided, single submitter. Criteria: ACMG Guidelines, 2015. Collection method: clinical testing. Allele origin: germline.

GeneDx
Classification: Pathogenic. Last evaluated: 2023-08-24. Review status: criteria provided, single submitter. Criteria: GeneDx Variant Classification Process June 2021. Collection method: clinical testing. Allele origin: germline. Affected: yes.
Comment: Published functional studies suggest a damaging effect (Kikuchi et al., 2000); Nonsense variant predicted to result in protein truncation or nonsense mediated decay in a gene for which loss of function is a known mechanism of disease; This variant is associated with the following publications: (PMID: 25525159, 10721675, 35197125)

Fulgent Genetics
Classification: Pathogenic for Prolidase deficiency. Last evaluated: 2022-04-26. Review status: criteria provided, single submitter. Criteria: ACMG Guidelines, 2015. Collection method: clinical testing. Allele origin: unknown.

Literature cited by the submitters: PubMed 8198124 (cited by Labcorp Genetics (formerly Invitae), Labcorp); PubMed 10721675 (cited by Labcorp Genetics (formerly Invitae), Labcorp); PubMed 12384772 (cited by Labcorp Genetics (formerly Invitae), Labcorp); PubMed 17142620 (cited by Labcorp Genetics (formerly Invitae), Labcorp).